The following is an entry in ClinVar:

NM_004928.3(CFAP410):c.66G>C (p.Lys22Asn)

Genes: CFAP410 (cilia and flagella associated protein 410; minus strand), LOC130066823 (ATAC-STARR-seq lymphoblastoid silent region 13383; plus strand). Cytogenetic location: 21q22.3.
Variant type: single nucleotide variant.
Coding change: c.66G>C on transcript NM_004928.3 (MANE Select); coding-DNA position 66, G replaced by C.
Protein change: p.Lys22Asn; replaces lysine 22 with asparagine.
Molecular consequence: missense variant.
Genome position (GRCh38, 1-based): chr21:44,339,129, C>G on the plus strand (G>C on the coding strand, the complement: CFAP410 is on the minus strand). VCF-style: chr21-44339129-C-G. GRCh37 (hg19) VCF-style: chr21-45759012-C-G.
Other names: c.66G>C, p.Lys22Asn (NM_001271440.2, NM_001271441.2); short protein forms K22N.
Identifiers: ClinVar variation 1956358 (VCV001956358.3), dbSNP rs557082104, ClinGen allele CA10053909.

ClinVar aggregate classification (germline): Uncertain significance. Review status: criteria provided, multiple submitters, no conflicts (2 of 4 stars). 2 submissions from 2 submitters: Uncertain significance (2). Last evaluated 2023-09-11.

Allele frequency attached by ClinVar (database versions not stated): gnomAD 0.00001; 1000 Genomes Project 30x 0.00016; 1000 Genomes Project 0.00020.
gnomAD v4.1: 4 of 1,460,804 alleles (0.00027%); highest among the groups gnomAD compares: Middle Eastern, 0.018%; no homozygotes.

Submissions (2):

Blueprint Genetics
Classification: Uncertain significance. Last evaluated: 2023-09-11. Review status: criteria provided, single submitter. Criteria: ACMG Guidelines, 2015. Collection method: clinical testing. Allele origin: germline.

Labcorp Genetics (formerly Invitae), Labcorp
Classification: Uncertain significance. Last evaluated: 2022-07-12. Review status: criteria provided, single submitter. Criteria: Invitae Variant Classification Sherloc (09022015). Collection method: clinical testing. Allele origin: germline.
Comment: This sequence change replaces lysine, which is basic and polar, with asparagine, which is neutral and polar, at codon 22 of the CFAP410 protein (p.Lys22Asn). This variant is not present in population databases (gnomAD no frequency). This variant has not been reported in the literature in individuals affected with CFAP410-related conditions. Algorithms developed to predict the effect of missense changes on protein structure and function are either unavailable or do not agree on the potential impact of this missense change (SIFT: "Deleterious"; PolyPhen-2: "Benign"; Align-GVGD: "Class C0"). In summary, the available evidence is currently insufficient to determine the role of this variant in disease. Therefore, it has been classified as a Variant of Uncertain Significance.